The following is an entry in ClinVar:

NM_006001.3(TUBA3C):c.1101C>T (p.Asp367=)

Gene: TUBA3C (tubulin alpha 3c; minus strand). Cytogenetic location: 13q12.11.
Variant type: single nucleotide variant.
Coding change: c.1101C>T on transcript NM_006001.3 (MANE Select); coding-DNA position 1101, C replaced by T.
Protein change: p.Asp367=; no amino-acid change (aspartic acid 367 retained).
Molecular consequence: synonymous variant.
Genome position (GRCh38, 1-based): chr13:19,174,115, G>A on the plus strand (C>T on the coding strand, the complement: TUBA3C is on the minus strand). VCF-style: chr13-19174115-G-A. GRCh37 (hg19) VCF-style: chr13-19748255-G-A.
Identifiers: ClinVar variation 4084375 (VCV004084375.8).

ClinVar aggregate classification (germline): Likely benign (1 of 4 stars; one submission).

Submission:

CeGaT Center for Human Genetics Tuebingen
Classification: Likely benign. Last evaluated: 2025-07-01. Review status: criteria provided, single submitter. Criteria: CeGaT Center For Human Genetics Tuebingen Variant Classification Criteria Version 2. Collection method: clinical testing. Allele origin: germline. Affected: yes. Observed: 1 variant allele.
Comment: TUBA3C: BP4, BP7